The following is an entry in ClinVar:

NM_198525.3(KIF7):c.1190C>T (p.Ala397Val)

Gene: KIF7 (kinesin family member 7; minus strand). Cytogenetic location: 15q26.1.
Variant type: single nucleotide variant.
Coding change: c.1190C>T on transcript NM_198525.3 (MANE Select); coding-DNA position 1190, C replaced by T.
Protein change: p.Ala397Val; replaces alanine 397 with valine.
Molecular consequence: missense variant.
Genome position (GRCh38, 1-based): chr15:89,648,508, G>A on the plus strand (C>T on the coding strand, the complement: KIF7 is on the minus strand). VCF-style: chr15-89648508-G-A. GRCh37 (hg19) VCF-style: chr15-90191739-G-A.
Other names: c.1190C>T (NM_198525.2); short protein forms A397V.
Identifiers: ClinVar variation 2145517 (VCV002145517.3), dbSNP rs1004008713, ClinGen allele CA274582501.

ClinVar aggregate classification (germline): Uncertain significance. Review status: criteria provided, multiple submitters, no conflicts (2 of 4 stars). 2 submissions from 2 submitters: Uncertain significance (2). Last evaluated 2025-08-23.

Conditions:
Inborn genetic diseases. Identifiers: MedGen C0950123, MeSH D030342.
Acrocallosal syndrome (ACLS). Also called: HALLUX DUPLICATION, POSTAXIAL POLYDACTYLY, AND ABSENCE OF CORPUS CALLOSUM; Schinzel syndrome 1; Absence of corpus callosum with unusual facial appearance, mental deficiency, duplication of the halluces and polydactyly. Identifiers: Orphanet 36, MedGen C0796147, MONDO:0008708, OMIM 200990.

Allele frequency attached by ClinVar (database versions not stated): gnomAD exomes 0.00001; gnomAD 0.00003; TOPMed 0.00004.
gnomAD v4.1: 12 of 1,066,066 alleles (0.0011%); highest among the groups gnomAD compares: African/African-American, 0.0069%; no homozygotes.

Submissions (2):

Ambry Genetics
Classification: Uncertain significance for Inborn genetic diseases. Last evaluated: 2025-08-23. Review status: criteria provided, single submitter. Criteria: Ambry Variant Classification Scheme 2023. Collection method: clinical testing. Allele origin: germline.

Labcorp Genetics (formerly Invitae), Labcorp
Classification: Uncertain significance for Acrocallosal syndrome. Last evaluated: 2025-06-12. Review status: criteria provided, single submitter. Criteria: Invitae Variant Classification Sherloc (09022015). Collection method: clinical testing. Allele origin: germline.
Comment: This sequence change replaces alanine, which is neutral and non-polar, with valine, which is neutral and non-polar, at codon 397 of the KIF7 protein (p.Ala397Val). The frequency data for this variant in the population databases is considered unreliable, as metrics indicate insufficient coverage at this position in the gnomAD database. This variant has not been reported in the literature in individuals affected with KIF7-related conditions. ClinVar contains an entry for this variant (Variation ID: 2145517). An algorithm developed to predict the effect of missense changes on protein structure and function (PolyPhen-2) suggests that this variant is likely to be tolerated. In summary, the available evidence is currently insufficient to determine the role of this variant in disease. Therefore, it has been classified as a Variant of Uncertain Significance.